The following is an entry in ClinVar:

NM_001378454.1(ALMS1):c.2665A>G (p.Ile889Val)

Gene: ALMS1 (ALMS1 centrosome and basal body associated protein; plus strand). Cytogenetic location: 2p13.1.
Variant type: single nucleotide variant.
Coding change: c.2665A>G on transcript NM_001378454.1 (MANE Select); coding-DNA position 2665, A replaced by G.
Protein change: p.Ile889Val; replaces isoleucine 889 with valine.
Molecular consequence: missense variant.
Genome position (GRCh38, 1-based): chr2:73,449,192, A>G. VCF-style: chr2-73449192-A-G. GRCh37 (hg19) VCF-style: chr2-73676319-A-G.
Other names: c.2662A>G (NM_015120.4); c.2668A>G, p.Ile890Val (NM_015120.4); short protein forms I890V, I889V.
Identifiers: ClinVar variation 459861 (VCV000459861.24), dbSNP rs377282102, ClinGen allele CA1713394.

ClinVar aggregate classification (germline): Conflicting classifications of pathogenicity. Review status: criteria provided, conflicting classifications (1 of 4 stars). 7 submissions from 7 submitters: Uncertain significance (5); Likely benign (2). Last evaluated 2025-11-17.

Conditions:
Cardiovascular phenotype. Identifiers: MedGen CN230736.
Alstrom syndrome (ALMS). Identifiers: Orphanet 64, MedGen C0268425, MONDO:0008763, OMIM 203800.

Allele frequency attached by ClinVar (database versions not stated): ESP Exome Variant Server 0.00008; gnomAD 0.00012 and 0.00013; 1000 Genomes Project 0.00020; ExAC 0.00026; 1000 Genomes Project 30x 0.00031; TOPMed 0.00033.
gnomAD v4.1: 164 of 1,613,906 alleles (0.01%); highest among the groups gnomAD compares: Admixed American, 0.035%; no homozygotes.

Submissions (7):

Women's Health and Genetics/Laboratory Corporation of America, LabCorp
Classification: Uncertain significance. Last evaluated: 2025-11-17. Review status: criteria provided, single submitter. Criteria: LabCorp Variant Classification Summary - May 2015. Collection method: clinical testing. Allele origin: germline.
Comment: Variant summary: ALMS1 c.2662A>G (p.Ile888Val) (also known as c.2668A>G; p.Ile890Val in RefSeq) results in a conservative amino acid change in the encoded protein sequence. Algorithms developed to predict the effect of missense changes on protein structure and function all suggest that this variant is likely to be tolerated. The variant allele was found at a frequency of 0.00019 in 249032 control chromosomes. This frequency is not significantly higher than estimated for disease-causing variants in ALMS1, allowing no conclusion about variant significance. c.2662A>G has been observed in an individual with retinitis pigmentosa, without strong evidence of causality (example: Xu_2016). This report does not provide unequivocal conclusions about association of the variant with Alstrom syndrome. To our knowledge, no experimental evidence demonstrating an impact on protein function has been reported. The following publication has been ascertained in the context of this evaluation (PMID: 26010121). ClinVar contains an entry for this variant (Variation ID: 459861). Based on the evidence outlined above, the variant was classified as uncertain significance.

CeGaT Center for Human Genetics Tuebingen
Classification: Uncertain significance. Last evaluated: 2025-11-01. Review status: criteria provided, single submitter. Criteria: CeGaT Center For Human Genetics Tuebingen Variant Classification Criteria Version 2. Collection method: clinical testing. Allele origin: germline. Affected: yes. Observed: 1 variant allele.
Comment: ALMS1: PM2:Supporting, BP4

GeneDx
Classification: Uncertain significance. Last evaluated: 2025-05-12. Review status: criteria provided, single submitter. Criteria: GeneDx Variant Classification Process June 2021. Collection method: clinical testing. Allele origin: germline. Affected: yes.
Comment: In silico analysis suggests that this missense variant does not alter protein structure/function; Has not been previously published as pathogenic or benign to our knowledge

Blueprint Genetics
Classification: Uncertain significance. Last evaluated: 2024-11-25. Review status: criteria provided, single submitter. Criteria: ACMG Guidelines, 2015. Collection method: clinical testing. Allele origin: germline.

Ambry Genetics
Classification: Likely benign for Cardiovascular phenotype. Last evaluated: 2023-05-18. Review status: criteria provided, single submitter. Criteria: Ambry Variant Classification Scheme 2023. Collection method: clinical testing. Allele origin: germline.

Labcorp Genetics (formerly Invitae), Labcorp
Classification: Uncertain significance for Alstrom syndrome. Last evaluated: 2022-10-17. Review status: criteria provided, single submitter. Criteria: Invitae Variant Classification Sherloc (09022015). Collection method: clinical testing. Allele origin: germline.
Comment: This sequence change replaces isoleucine, which is neutral and non-polar, with valine, which is neutral and non-polar, at codon 890 of the ALMS1 protein (p.Ile890Val). This variant is present in population databases (rs377282102, gnomAD 0.05%). This variant has not been reported in the literature in individuals affected with ALMS1-related conditions. ClinVar contains an entry for this variant (Variation ID: 459861). Algorithms developed to predict the effect of missense changes on protein structure and function output the following: SIFT: "Not Available"; PolyPhen-2: "Not Available"; Align-GVGD: "Not Available". The valine amino acid residue is found in multiple mammalian species, which suggests that this missense change does not adversely affect protein function. In summary, the available evidence is currently insufficient to determine the role of this variant in disease. Therefore, it has been classified as a Variant of Uncertain Significance.

Laboratory for Molecular Medicine, Mass General Brigham Personalized Medicine
Classification: Likely benign. Last evaluated: 2018-12-14. Review status: criteria provided, single submitter. Criteria: LMM Criteria. Collection method: clinical testing. Allele origin: germline. Observed: 1 variant allele.
Comment: The p.Ile890Val variant in ALMS1 is classified as likely benign because the amin o acid at position 890 is not conserved with over 10 mammals having a valine at this position. ACMG/AMP criteria applied: BP4_Strong.

Literature cited by the submitters: PubMed 26010121 (cited by Women's Health and Genetics/Laboratory Corporation of America, LabCorp).